The following is an entry in ClinVar:

ClinVar aggregate classification (germline): Conflicting classifications of pathogenicity. Review status: criteria provided, conflicting classifications (1 of 4 stars). 11 submissions from 11 submitters: Uncertain significance (1); Benign (2); Likely benign (7). 1 of the submissions does not count toward it. Last evaluated 2026-01-28.

Conditions:
DMD-related disorder. Also called: DMD-related condition.
Cardiovascular phenotype. Identifiers: MedGen CN230736.
Duchenne muscular dystrophy (DMD). Also called: Duchenne Muscular Dystrophy (DMD); MUSCULAR DYSTROPHY, PSEUDOHYPERTROPHIC PROGRESSIVE, DUCHENNE TYPE. Identifiers: Orphanet 98896, MedGen C0013264, MONDO:0010679, OMIM 310200.
Primary dilated cardiomyopathy (DCM). Also called: Dilated Cardiomyopathy. Identifiers: Orphanet 217604, MedGen C0007193, MeSH D002311, MONDO:0005021, HP:0001644. Inheritance: Various modes of inheritance.

Allele frequency attached by ClinVar (database versions not stated): ExAC 0.00016; gnomAD 0.00016; gnomAD exomes 0.00017 and 0.00031; TOPMed 0.00017; 1000 Genomes Project 0.00026; 1000 Genomes Project 30x 0.00042.
gnomAD v4.1: 356 of 1,208,889 alleles (0.029%); highest among the groups gnomAD compares: Non-Finnish European, 0.037%; no homozygotes.

Submissions (11):

Labcorp Genetics (formerly Invitae), Labcorp
Classification: Benign for Duchenne muscular dystrophy. Last evaluated: 2026-01-28. Review status: criteria provided, single submitter. Criteria: Invitae Variant Classification Sherloc (09022015). Collection method: clinical testing. Allele origin: germline.

Mayo Clinic Laboratories, Mayo Clinic
Classification: Likely benign. Last evaluated: 2025-10-21. Review status: criteria provided, single submitter. Criteria: ACMG Guidelines, 2015. Collection method: clinical testing. Allele origin: germline. Observed: 3 variant alleles.
Comment: BS2, BP4

Molecular Diagnostic Laboratory for Inherited Cardiovascular Disease, Montreal Heart Institute
Classification: Likely benign. Last evaluated: 2025-04-09. Review status: criteria provided, single submitter. Criteria: ACMG Guidelines, 2015. Collection method: clinical testing. Allele origin: germline. Affected: no.

Blueprint Genetics
Classification: Likely benign. Last evaluated: 2024-10-29. Review status: criteria provided, single submitter. Criteria: ACMG Guidelines, 2015. Collection method: clinical testing. Allele origin: germline.

ARUP Laboratories, Molecular Genetics and Genomics, ARUP Laboratories
Classification: Likely benign. Last evaluated: 2024-01-10. Review status: criteria provided, single submitter. Criteria: ARUP Molecular Germline Variant Investigation Process 2024. Collection method: clinical testing. Allele origin: germline.

GeneDx
Classification: Benign. Last evaluated: 2020-09-22. Review status: criteria provided, single submitter. Criteria: GeneDx Variant Classification Process June 2021. Collection method: clinical testing. Allele origin: germline. Affected: yes.

Ambry Genetics
Classification: Likely benign for Cardiovascular phenotype. Last evaluated: 2019-11-20. Review status: criteria provided, single submitter. Criteria: Ambry Variant Classification Scheme 2023. Collection method: clinical testing. Allele origin: germline.

Eurofins Ntd Llc (ga)
Classification: Likely benign. Last evaluated: 2016-03-23. Review status: criteria provided, single submitter. Criteria: EGL Classification Definitions 2015. Collection method: clinical testing. Allele origin: germline. Observed: 2 variant alleles, 1 heterozygote, 1 hemizygote.

Laboratory for Molecular Medicine, Mass General Brigham Personalized Medicine
Classification: Uncertain significance. Last evaluated: 2015-09-10. Review status: criteria provided, single submitter. Criteria: LMM Criteria. Collection method: clinical testing. Allele origin: germline. Observed: 1 variant allele.
Comment: The p.Ala1901Thr variant in DMD has not been previously reported in individuals with cardiomyopathy, but has been identified in 14/47910 European chromosomes (i ncluding 6 hemizygotes) by the Exome Aggregation Consortium (ExAC; rs201302282). Computational prediction tools and conservation analysis do not provide strong support for or against an impact to the protein. In summary, the clinical significance of the p.Ala1901Thr variant is uncertain.

Genetics and Genomics Program, Sidra Medicine
Classification: Likely benign for Primary dilated cardiomyopathy. Review status: criteria provided, single submitter. Criteria: ACMG Guidelines, 2015. Collection method: research. Allele origin: unknown. Affected: yes. Observed: 1 variant allele.

PreventionGenetics, part of Exact Sciences
Classification: Likely benign for DMD-related condition. Last evaluated: 2024-09-24. Review status: no assertion criteria provided. Collection method: clinical testing. Allele origin: germline. Not counted in ClinVar's aggregate classification.
Comment: This variant is classified as likely benign based on ACMG/AMP sequence variant interpretation guidelines (Richards et al. 2015 PMID: 25741868, with internal and published modifications).

NM_004006.3(DMD):c.5701G>A (p.Ala1901Thr)

Gene: DMD (dystrophin; minus strand). Cytogenetic location: Xp21.1.
Variant type: single nucleotide variant.
Coding change: c.5701G>A on transcript NM_004006.3 (MANE Select); coding-DNA position 5701, G replaced by A.
Protein change: p.Ala1901Thr; replaces alanine 1901 with threonine.
Molecular consequence: missense variant.
Genome position (GRCh38, 1-based): chrX:32,343,172, C>T on the plus strand (G>A on the coding strand, the complement: DMD is on the minus strand). VCF-style: chrX-32343172-C-T. GRCh37 (hg19) VCF-style: chrX-32361289-C-T.
Other names: c.5677G>A, p.Ala1893Thr (NM_000109.4); c.5689G>A, p.Ala1897Thr (NM_004009.3); c.5332G>A, p.Ala1778Thr (NM_004010.3); c.1678G>A, p.Ala560Thr (NM_004011.4); c.1669G>A, p.Ala557Thr (NM_004012.4); short protein forms A1901T, A1893T, A1897T, A557T, A1778T, A560T.
Identifiers: ClinVar variation 180314 (VCV000180314.38), dbSNP rs201302282, ClinGen allele CA245528.